The following is an entry in ClinVar:

ClinVar aggregate classification (germline): Conflicting classifications of pathogenicity. Review status: criteria provided, conflicting classifications (1 of 4 stars). 3 submissions from 3 submitters: Pathogenic (1); Likely pathogenic (1); Uncertain significance (1). Last evaluated 2026-06-05.

Conditions:
Hyperinsulinemic hypoglycemia, familial, 1 (HHF1). Also called: Persistent hyperinsulinemic hypoglycemia of infancy; Persistent Hyperinsulinemia Hypoglycemia of Infancy; HYPERINSULINISM, FAMILIAL, WITH PANCREATIC NESIDIOBLASTOSIS; HYPOGLYCEMIA, HYPERINSULINEMIC, OF INFANCY; NESIDIOBLASTOSIS OF PANCREAS. Identifiers: Orphanet 276575, Orphanet 276598, MedGen C2931832, MONDO:0009734, OMIM 256450.
Hereditary hyperinsulinism.

Submissions (3):

Myriad Genetics, Inc.
Classification: Uncertain significance for Hyperinsulinemic hypoglycemia, familial, 1. Last evaluated: 2026-06-05. Review status: criteria provided, single submitter. Criteria: Myriad Autosomal Dominant, Autosomal Recessive and X-Linked Classification Criteria (2023). Collection method: clinical testing. Allele origin: unknown.
Comment: NM_000352.3(ABCC8):c.4661G>A(G1554D) is a missense variant classified as a variant of uncertain significance in the context of familial hyperinsulinism, ABCC8-related. G1554D has been observed in cases with relevant disease (PMID: 24434300, 23652837). Relevant functional assessments of this variant are not available in the literature. G1554D has not been observed in referenced population frequency databases. In summary, there is insufficient evidence to classify NM_000352.3(ABCC8):c.4661G>A(G1554D) as pathogenic or benign. Please note: this variant was assessed in the context of healthy population screening.

Natera, Inc.
Classification: Likely pathogenic for Hereditary hyperinsulinism. Last evaluated: 2025-05-30. Review status: criteria provided, single submitter. Criteria: Natera Variant Classification Schema (03/2026). Collection method: clinical testing. Allele origin: germline.
Comment: The c.4661G>A variant in ABCC8 is a missense variant predicted to cause substitution of glycine to aspartic acid at amino acid 1554. This variant is rare in the general population with a frequency below the threshold expected for the associated phenotype(s). This variant has been observed in one or more individuals affected with the associated recessive disease, as either homozygous or compound heterozygous with a second variant (PMID: 23652837, 24434300). This variant has been identified in one or more affected individual with a phenotype highly consistent with the associated gene (PMID: 23652837, 24434300). Computational prediction algorithms indicate this variant is likely to affect gene or protein function. Given the available evidence, this variant is classified as Likely Pathogenic.

Labcorp Genetics (formerly Invitae), Labcorp
Classification: Pathogenic. Last evaluated: 2023-09-21. Review status: criteria provided, single submitter. Criteria: Invitae Variant Classification Sherloc (09022015). Collection method: clinical testing. Allele origin: germline.
Comment: Advanced modeling of protein sequence and biophysical properties (such as structural, functional, and spatial information, amino acid conservation, physicochemical variation, residue mobility, and thermodynamic stability) performed at Invitae indicates that this missense variant is expected to disrupt ABCC8 protein function. For these reasons, this variant has been classified as Pathogenic. This variant disrupts the p.Gly1554 amino acid residue in ABCC8. Other variant(s) that disrupt this residue have been determined to be pathogenic (PMID: 28328534). This suggests that this residue is clinically significant, and that variants that disrupt this residue are likely to be disease-causing. This sequence change replaces glycine, which is neutral and non-polar, with aspartic acid, which is acidic and polar, at codon 1554 of the ABCC8 protein (p.Gly1554Asp). This missense change has been observed in individual(s) with autosomal recessive diffuse hyperinsulinism (PMID: 23652837, 24434300). In at least one individual the data is consistent with being in trans (on the opposite chromosome) from a pathogenic variant. This variant is not present in population databases (gnomAD no frequency).

Literature cited by the submitters: PubMed 23652837 (cited by 3 submitters); PubMed 24434300 (cited by 3 submitters); PubMed 28328534 (cited by Labcorp Genetics (formerly Invitae), Labcorp).

NM_000352.6(ABCC8):c.4661G>A (p.Gly1554Asp)

Gene: ABCC8 (ATP binding cassette subfamily C member 8; minus strand). Cytogenetic location: 11p15.1.
Variant type: single nucleotide variant.
Coding change: c.4661G>A on transcript NM_000352.6 (MANE Select); coding-DNA position 4661, G replaced by A.
Protein change: p.Gly1554Asp; replaces glycine 1554 with aspartic acid.
Molecular consequence: missense variant. On other transcripts: non-coding transcript variant (1).
Genome position (GRCh38, 1-based): chr11:17,393,076, C>T on the plus strand (G>A on the coding strand, the complement: ABCC8 is on the minus strand). VCF-style: chr11-17393076-C-T. GRCh37 (hg19) VCF-style: chr11-17414623-C-T.
Other names: c.4664G>A, p.Gly1555Asp (NM_001287174.3); c.4727G>A, p.Gly1576Asp (NM_001351295.2); c.4661G>A, p.Gly1554Asp (NM_001351296.2); c.4658G>A, p.Gly1553Asp (NM_001351297.2); c.4661G>A (NM_000352.4); short protein forms G1553D, G1554D, G1555D, G1576D.
Identifiers: ClinVar variation 2735544 (VCV002735544.5), dbSNP rs760494159, ClinGen allele CA379781222.